The following is an entry in ClinVar:

NM_000330.4(RS1):c.533G>A (p.Gly178Asp)

Genes: CDKL5 (cyclin dependent kinase like 5; plus strand), RS1 (retinoschisin 1; minus strand). Cytogenetic location: Xp22.13.
Variant type: single nucleotide variant.
Coding change: c.533G>A on transcript NM_000330.4 (MANE Select); coding-DNA position 533, G replaced by A.
Protein change: p.Gly178Asp; replaces glycine 178 with aspartic acid.
Molecular consequence: missense variant. On other transcripts: intron variant (2).
Genome position (GRCh38, 1-based): chrX:18,642,146, C>T on the plus strand (G>A on the coding strand, the complement: RS1 is on the minus strand). VCF-style: chrX-18642146-C-T. GRCh37 (hg19) VCF-style: chrX-18660266-C-T.
Other names: NM_000330.4(RS1):c.533G>A; c.2714-3861C>T (NM_003159.3, NM_001037343.2); short protein forms G178D.
Identifiers: ClinVar variation 98983 (VCV000098983.4), dbSNP rs61753169, ClinGen allele CA226772.

ClinVar aggregate classification (germline): Pathogenic. Review status: reviewed by expert panel (3 of 4 stars). 2 submissions from 2 submitters: Pathogenic (1). 1 of the submissions does not count toward it. Last evaluated 2025-09-18.

Conditions:
Juvenile retinoschisis (RS1). Also called: X-Linked Juvenile Retinoschisis; X-linked retinoschisis. Identifiers: Orphanet 792, MedGen C3714753, MONDO:0010725, OMIM 312700.

Submissions (2):

ClinGen X-linked Inherited Retinal Disease Variant Curation Expert Panel, ClinGen
Classification: Pathogenic for Juvenile retinoschisis. Last evaluated: 2025-09-18. Review status: reviewed by expert panel. Criteria: ClinGen X LinkedIRD ACMG Specifications RS1 V1.0.0. Collection method: curation. Allele origin: germline. Inheritance: X-linked inheritance.
Comment: NM_000330.4(RS1):c.533G>A (p.Gly178Asp) is a missense variant encoding the substitution of glycine with aspartic acid at amino acid 178. This variant is absent from hemizygous individuals in gnomAD v4.1.0 (PM2_Supporting). This variant has been reported in at least 3 apparently unrelated probands meeting the PS4 requirement of a male diagnosed with X-linked retinoschisis (PMID: 9618178, PMID: 11738458, PMID: 31149861, PMID: 12928282, PMID: 31087526, PS4_Moderate). The variant has been reported to segregate with retinal dystrophy through at least 3 meioses in two apparently unrelated families, one with affected 3 brothers and the other with two affected brothers (PP1_Strong; PMID: 12928282, PMID: 31087526). The computational predictor REVEL gives a score of 0.989, which is above the ClinGen X-linked IRD VCEP threshold of >0.932 and predicts a damaging effect on RS1 function (PP3_Strong). The computational splicing predictor SpliceAI gives a delta score of 0.00 for all predictive splice changes, which is below the ClinGen X-linked IRD VCEP threshold of >0.2 and does not predict that the variant disrupts RS1 splicing. In summary, this variant is classified as pathogenic for X-linked retinoschisis based on the ClinGen X-linked Inherited Retinal Disease Expert Panel Specifications to the ACMG/AMP Variant Interpretation Guidelines for RS1 Version 1.0.0: PM2_Supporting, PP3_Strong, PP1_Strong, and PS4_Moderate.

Retina International
No classification provided. Review status: no classification provided. Collection method: not provided. Allele origin: unknown. Not counted in ClinVar's aggregate classification.